The following is an entry in ClinVar:

NM_000372.5(TYR):c.387_389delinsGG (p.Glu130fs)

Gene: TYR (tyrosinase; plus strand). Cytogenetic location: 11q14.3.
Variant type: Indel.
Coding change: c.387_389delinsGG on transcript NM_000372.5 (MANE Select); coding-DNA positions 387 to 389, AGA replaced by GG.
Protein change: p.Glu130fs; shifts the reading frame from glutamic acid 130.
Molecular consequence: frameshift variant.
Genome position (GRCh38, 1-based): chr11:89,178,340-89,178,342, AGA replaced by GG. VCF-style: chr11-89178340-AGA-GG. GRCh37 (hg19) VCF-style: chr11-88911508-AGA-GG.
Other names: short protein forms E130fs.
Identifiers: ClinVar variation 585290 (VCV000585290.4), dbSNP rs1565386582, ClinGen allele CA891843464.
Genomic context (GRCh38, chr11:89,178,340, plus strand): 5'-ACCAAACTGCACAGAGAGACGACTCTTGGTGAGAAGAAACATCTTCGATTTGAGTGCCCC[AGA>GG]GAAGGACAAATTTTTTGCCTACCTCACTTTAGCAAAGCATACCATCAGCTCAGACTATGT-3'

ClinVar aggregate classification (germline): Pathogenic. Review status: criteria provided, multiple submitters, no conflicts (2 of 4 stars). 2 submissions from 2 submitters: Pathogenic (2). Last evaluated 2021-07-22.

Conditions:
Oculocutaneous albinism type 1A (OCA1A). Also called: Albinism, oculocutaneous, type IA. Identifiers: Orphanet 352731, Orphanet 79431, MedGen C4551504, MONDO:0008745, OMIM 203100. Disease mechanism: loss of function.

Submissions (2):

Genome-Nilou Lab
Classification: Pathogenic for Oculocutaneous albinism type 1A. Last evaluated: 2021-07-22. Review status: criteria provided, single submitter. Criteria: ACMG Guidelines, 2015. Collection method: clinical testing. Allele origin: germline. Affected: no.

Center of Genomic medicine, Geneva, University Hospital of Geneva
Classification: Pathogenic for Oculocutaneous albinism type 1A. Last evaluated: 2018-02-23. Review status: criteria provided, single submitter. Criteria: ACMG Guidelines, 2015. Collection method: clinical testing. Allele origin: inherited. Affected: yes. Observed: 3 variant alleles.